The following is an entry in ClinVar:

NM_170754.4(TNS2):c.1238C>G (p.Pro413Arg)

Gene: TNS2 (tensin 2; plus strand). Cytogenetic location: 12q13.13.
Variant type: single nucleotide variant.
Coding change: c.1238C>G on transcript NM_170754.4 (MANE Select); coding-DNA position 1238, C replaced by G.
Protein change: p.Pro413Arg; replaces proline 413 with arginine.
Molecular consequence: missense variant.
Genome position (GRCh38, 1-based): chr12:53,058,584, C>G. VCF-style: chr12-53058584-C-G. GRCh37 (hg19) VCF-style: chr12-53452368-C-G.
Other names: c.1238C>G, p.Pro413Arg (NM_001416202.1, NM_001416204.1); c.1169C>G, p.Pro390Arg (NM_001416203.1, NM_015319.3); c.866C>G, p.Pro289Arg (NM_198316.2); short protein forms P289R, P413R, P423R, P390R.
Identifiers: ClinVar variation 2086442 (VCV002086442.4), dbSNP rs2539642024, ClinGen allele CA385008672.

ClinVar aggregate classification (germline): Uncertain significance (1 of 4 stars; one submission).

Submission:

Labcorp Genetics (formerly Invitae), Labcorp
Classification: Uncertain significance. Last evaluated: 2022-11-15. Review status: criteria provided, single submitter. Criteria: Invitae Variant Classification Sherloc (09022015). Collection method: clinical testing. Allele origin: germline.
Comment: This variant has not been reported in the literature in individuals affected with TNS2-related conditions. This variant is not present in population databases (gnomAD no frequency). This sequence change replaces proline, which is neutral and non-polar, with arginine, which is basic and polar, at codon 423 of the TNS2 protein (p.Pro423Arg). Algorithms developed to predict the effect of missense changes on protein structure and function are either unavailable or do not agree on the potential impact of this missense change (SIFT: "Deleterious"; PolyPhen-2: "Probably Damaging"; Align-GVGD: "Class C0"). In summary, the available evidence is currently insufficient to determine the role of this variant in disease. Therefore, it has been classified as a Variant of Uncertain Significance.